The following is an entry in ClinVar:

ClinVar aggregate classification (germline): Uncertain significance. Review status: criteria provided, multiple submitters, no conflicts (2 of 4 stars). 2 submissions from 2 submitters: Uncertain significance (2). Last evaluated 2022-01-27.

Conditions:
Inborn genetic diseases. Identifiers: MedGen C0950123, MeSH D030342.
Familial temporal lobe epilepsy 7. Identifiers: Orphanet 101046, MedGen C4225327, MONDO:0014639, OMIM 616436.
Norman-Roberts syndrome (LIS2). Also called: Lissencephaly 2 (Norman-Roberts type). Identifiers: Orphanet 89844, MedGen C0796089, MONDO:0009760, OMIM 257320.

Allele frequency attached by ClinVar (database versions not stated): gnomAD exomes below 0.00001 and 0.00002; gnomAD 0.00001; TOPMed 0.00001; ExAC 0.00002.
gnomAD v4.1: 5 of 1,613,282 alleles (0.00031%); highest among the groups gnomAD compares: Admixed American, 0.0017%; no homozygotes.

Submissions (2):

Ambry Genetics
Classification: Uncertain significance for Inborn genetic diseases. Last evaluated: 2022-01-27. Review status: criteria provided, single submitter. Criteria: Ambry Variant Classification Scheme 2023. Collection method: clinical testing. Allele origin: germline.

Labcorp Genetics (formerly Invitae), Labcorp
Classification: Uncertain significance for Familial temporal lobe epilepsy 7; Norman-Roberts syndrome. Last evaluated: 2020-02-21. Review status: criteria provided, single submitter. Criteria: Invitae Variant Classification Sherloc (09022015). Collection method: clinical testing. Allele origin: germline.
Comment: In summary, the available evidence is currently insufficient to determine the role of this variant in disease. Therefore, it has been classified as a Variant of Uncertain Significance. This sequence change replaces aspartic acid with glycine at codon 2171 of the RELN protein (p.Asp2171Gly). The aspartic acid residue is moderately conserved and there is a moderate physicochemical difference between aspartic acid and glycine. This variant is present in population databases (rs754745320, ExAC 0.004%). This variant has not been reported in the literature in individuals with RELN-related disease. Algorithms developed to predict the effect of missense changes on protein structure and function do not agree on the potential impact of this missense change (SIFT: "Deleterious"; PolyPhen-2: "Possibly Damaging"; Align-GVGD: "Class C0"). Algorithms developed to predict the effect of sequence changes on RNA splicing suggest that this variant may create or strengthen a splice site, but this prediction has not been confirmed by published transcriptional studies.

NM_005045.4(RELN):c.6512A>G (p.Asp2171Gly)

Gene: RELN (reelin; minus strand). Cytogenetic location: 7q22.1.
Variant type: single nucleotide variant.
Coding change: c.6512A>G on transcript NM_005045.4 (MANE Select); coding-DNA position 6512, A replaced by G.
Protein change: p.Asp2171Gly; replaces aspartic acid 2171 with glycine.
Molecular consequence: missense variant.
Genome position (GRCh38, 1-based): chr7:103,545,135, T>C on the plus strand (A>G on the coding strand, the complement: RELN is on the minus strand). VCF-style: chr7-103545135-T-C. GRCh37 (hg19) VCF-style: chr7-103185582-T-C.
Other names: c.6512A>G, p.Asp2171Gly (NM_173054.3); short protein forms D2171G.
Identifiers: ClinVar variation 542581 (VCV000542581.9), dbSNP rs754745320, ClinGen allele CA4420951.